The following is an entry in ClinVar:

NM_138694.4(PKHD1):c.10655C>T (p.Pro3552Leu)

Gene: PKHD1 (PKHD1 ciliary IPT domain containing fibrocystin/polyductin; minus strand). Cytogenetic location: 6p12.3.
Variant type: single nucleotide variant.
Coding change: c.10655C>T on transcript NM_138694.4 (MANE Select); coding-DNA position 10655, C replaced by T.
Protein change: p.Pro3552Leu; replaces proline 3552 with leucine.
Molecular consequence: missense variant.
Genome position (GRCh38, 1-based): chr6:51,659,471, G>A on the plus strand (C>T on the coding strand, the complement: PKHD1 is on the minus strand). VCF-style: chr6-51659471-G-A. GRCh37 (hg19) VCF-style: chr6-51524269-G-A.
Other names: short protein forms P3552L.
Identifiers: ClinVar variation 1443209 (VCV001443209.7), dbSNP rs1002017976, ClinGen allele CA138897268.

ClinVar aggregate classification (germline): Uncertain significance (1 of 4 stars; one submission).

Conditions:
Autosomal recessive polycystic kidney disease (ARPKD). Also called: AR polycystic kidney disease. Identifiers: Orphanet 731, Orphanet 8378, MedGen C0085548, MeSH D017044, MONDO:0009889.

Allele frequency attached by ClinVar (database versions not stated): gnomAD exomes 0.00001.
gnomAD v4.1: 4 of 1,613,594 alleles (0.00025%); highest among the groups gnomAD compares: Admixed American, 0.0017%; no homozygotes.

Submission:

Labcorp Genetics (formerly Invitae), Labcorp
Classification: Uncertain significance for Autosomal recessive polycystic kidney disease. Last evaluated: 2024-10-29. Review status: criteria provided, single submitter. Criteria: Invitae Variant Classification Sherloc (09022015). Collection method: clinical testing. Allele origin: germline.
Comment: This sequence change replaces proline, which is neutral and non-polar, with leucine, which is neutral and non-polar, at codon 3552 of the PKHD1 protein (p.Pro3552Leu). This variant is present in population databases (no rsID available, gnomAD 0.003%). This variant has not been reported in the literature in individuals affected with PKHD1-related conditions. ClinVar contains an entry for this variant (Variation ID: 1443209). Invitae Evidence Modeling of protein sequence and biophysical properties (such as structural, functional, and spatial information, amino acid conservation, physicochemical variation, residue mobility, and thermodynamic stability) indicates that this missense variant is not expected to disrupt PKHD1 protein function with a negative predictive value of 95%. In summary, the available evidence is currently insufficient to determine the role of this variant in disease. Therefore, it has been classified as a Variant of Uncertain Significance.